The following is an entry in ClinVar:

ClinVar aggregate classification (germline): Pathogenic (1 of 4 stars; one submission).

Conditions:
Neurofibromatosis, type 1 (NF1). Also called: VON RECKLINGHAUSEN DISEASE; Neurofibromatosis, type I; Peripheral type neurofibromatosis; NEUROFIBROMATOSIS, TYPE I, SOMATIC. Identifiers: Orphanet 636, MedGen C0027831, MONDO:0018975, OMIM 162200. Disease mechanism: loss of function.

Submission:

Labcorp Genetics (formerly Invitae), Labcorp
Classification: Pathogenic for Neurofibromatosis, type 1. Last evaluated: 2023-06-27. Review status: criteria provided, single submitter. Criteria: Invitae Variant Classification Sherloc (09022015). Collection method: clinical testing. Allele origin: germline.
Comment: For these reasons, this variant has been classified as Pathogenic. Retrotransposon insertions including LINE1 (L1), Alu, and SVA (SINE-VNTR-Alu) have been reported to be disease-causing through disruption of either a coding region or splice site (PMID: 19763152, 20307669, 22406018) and loss-of-function variants in NF1 are known to be pathogenic (PMID: 10712197, 23913538). This variant has not been reported in the literature in individuals affected with NF1-related conditions. This sequence change inserts a large fragment of DNA, likely a transposable element, in exon 42 of the NF1 gene (c.6383_6384ins?), causing a frameshift at codon 2128 (p.Leu2128fs). The exact size and sequence of the insertion cannot be determined by the current assay. However, the insertion is expected to result in an absent or disrupted protein product.

Literature cited by the submitters: PubMed 19763152; PubMed 20307669; PubMed 22406018; PubMed 10712197; PubMed 23913538.

NM_001042492.3(NF1):c.6446_6447insTTTTTTTTTTTTTTTTTTTTNNNNNNNNNNAGCCATTCTCCTGCCTCAGCCTCCCAAGTAGCTGGGACCACAGGCGCCCGCCACTACGCCCAGCTAATTTTTTGTATGACCAAGCAAGTTTT (p.Leu2149delinsPhePhePhePhePhePhePheXaaXaaXaaXaaAlaIleLeuLeuProGlnProProLysTer)

Gene: NF1 (neurofibromin 1; plus strand). Cytogenetic location: 17q11.2.
Variant type: Insertion.
Coding change: c.6446_6447insTTTTTTTTTTTTTTTTTTTTNNNNNNNNNNAGCCATTCTCCTGCCTCAGCCTCCCAAGTAGCTGGGACCACAGGCGCCCGCCACTACGCCCAGCTAATTTTTTGTATGACCAAGCAAGTTTT on transcript NM_001042492.3 (MANE Select); coding-DNA positions 6446 to 6447, TTTTTTTTTTTTTTTTTTTTNNNNNNNNNNAGCCATTCTCCTGCCTCAGCCTCCCAAGTAGCTGGGACCACAGGCGCCCGCCACTACGCCCAGCTAATTTTTTGTATGACCAAGCAAGTTTT inserted.
Protein change: p.Leu2149delinsPhePhePhePhePhePhePheXaaXaaXaaXaaAlaIleLeuLeuProGlnProProLysTer.
Molecular consequence: nonsense. On other transcripts: frameshift variant (1).
Genome position: GRCh38: chr17:31,337,386-31,337,387. GRCh37 (hg19): chr17:29,664,404-29,664,405.
Other names: c.6383_6384insTTTTTTTTTTTTTTTTTTTTNNNNNNNNNNAGCCATTCTCCTGCCTCAGCCTCCCAAGTAGCTGGGACCACAGGCGCCCGCCACTACGCCCAGCTAATTTTTTGTATGACCAAGCAAGTTTT, p.Leu2128Phefs (NM_000267.4).
Identifiers: ClinVar variation 2855346 (VCV002855346.3), dbSNP rs2508752855.